The following is an entry in ClinVar:

NM_000540.3(RYR1):c.7835+6_7835+7insGCTTCAGGGTGGGG

Gene: RYR1 (ryanodine receptor 1; plus strand). Cytogenetic location: 19q13.2.
Variant type: Insertion.
Coding change: c.7835+6_7835+7insGCTTCAGGGTGGGG on transcript NM_000540.3 (MANE Select); bases 6 to 7 of the intron after coding-DNA position 7835, GCTTCAGGGTGGGG inserted.
Molecular consequence: intron variant.
Genome position: GRCh38 VCF-style: chr19-38502732-A-AGGCTTCAGGGTGGG. GRCh37 (hg19) VCF-style: chr19-38993372-A-AGGCTTCAGGGTGGG.
Other names: c.7835+6_7835+7insGCTTCAGGGTGGGG (NM_001042723.2).
Identifiers: ClinVar variation 4758766 (VCV004758766.1).
Genomic context (GRCh38, chr19:38,502,732, plus strand): 5'-TCGCTCACCAAGGCGCAGCGTGACGTCATCGAGGACTGCCTCATGTCGCTCTGCAGGTGG[A>AGGCTTCAGGGTGGG]GCGGGGCAGGCTTCAGGGTGGGGCAGGGGCAGGGGCAGGGGCAGGGGCAGGGGCAGGGGC-3'

ClinVar aggregate classification (germline): Uncertain significance (1 of 4 stars; one submission).

Conditions:
Malignant hyperthermia, susceptibility to, 1 (MHS1). Also called: RYR1-Related Malignant Hyperthermia Susceptibility; Malignant hyperthermia suceptibility 1; Anesthesia related hyperthermia; Malignant hyperpyrexia; Fulminating hyperpyrexia; Pharmacogenic myopathy. Identifiers: Orphanet 423, MedGen C2930980, MONDO:0007783, OMIM 145600.

Submission:

Color Diagnostics, LLC DBA Color Health
Classification: Uncertain significance for Malignant hyperthermia, susceptibility to, 1. Last evaluated: 2023-11-08. Review status: criteria provided, single submitter. Criteria: ACMG Guidelines, 2015. Collection method: clinical testing. Allele origin: germline.
Comment: This variant causes an insertion of 14 nucleotides in intron 48 splice donor site of the RYR1 gene. To our knowledge, functional studies have not been reported for this variant. This variant has not been reported in individuals affected with RYR1-related disorders in the literature. This variant has been identified in 2/227728 chromosomes in the general population by the Genome Aggregation Database (gnomAD). The available evidence is insufficient to determine the role of this variant in disease conclusively. Therefore, this variant is classified as a Variant of Uncertain Significance.